The following is an entry in ClinVar:

NM_001204.7(BMPR2):c.1447T>C (p.Cys483Arg)

Gene: BMPR2 (bone morphogenetic protein receptor type 2; plus strand). Cytogenetic location: 2q33.2.
Variant type: single nucleotide variant.
Coding change: c.1447T>C on transcript NM_001204.7 (MANE Select); coding-DNA position 1447, T replaced by C.
Protein change: p.Cys483Arg; replaces cysteine 483 with arginine.
Molecular consequence: missense variant.
Genome position (GRCh38, 1-based): chr2:202,552,749, T>C. VCF-style: chr2-202552749-T-C. GRCh37 (hg19) VCF-style: chr2-203417472-T-C.
Other names: c.1447T>C (LRG_712t1); short protein forms C483R.
Identifiers: ClinVar variation 425946 (VCV000425946.6), dbSNP rs1085307354, ClinGen allele CA350344475.

ClinVar aggregate classification (germline): Conflicting classifications of pathogenicity. Review status: criteria provided, conflicting classifications (1 of 4 stars). 3 submissions from 3 submitters: Likely pathogenic (1); Uncertain significance (1). 1 of the submissions does not count toward it. Last evaluated 2023-05-30.

Conditions:
Pulmonary hypertension, primary, 1 (PPH1). Also called: Pulmonary hypertension, familial primary, 1, with or without HHT. Identifiers: Orphanet 422, MedGen C4552070, MONDO:0024533, OMIM 178600.
Primary pulmonary hypertension. Also called: Idiopathic pulmonary hypertension. Identifiers: MedGen C0152171.
Pulmonary hypertension, primary, dexfenfluramine-associated. Identifiers: MedGen C1969342.

Submissions (3):

Labcorp Genetics (formerly Invitae), Labcorp
Classification: Uncertain significance for Primary pulmonary hypertension. Last evaluated: 2023-05-30. Review status: criteria provided, single submitter. Criteria: Invitae Variant Classification Sherloc (09022015). Collection method: clinical testing. Allele origin: germline.
Comment: In summary, the available evidence is currently insufficient to determine the role of this variant in disease. Therefore, it has been classified as a Variant of Uncertain Significance. Experimental studies have shown that this missense change affects BMPR2 function (PMID: 12045205, 18321866, 34400635). This missense change has been observed in individual(s) with pulmonary hypertension (PMID: 11015450). Advanced modeling of protein sequence and biophysical properties (such as structural, functional, and spatial information, amino acid conservation, physicochemical variation, residue mobility, and thermodynamic stability) performed at Invitae indicates that this missense variant is expected to disrupt BMPR2 protein function. ClinVar contains an entry for this variant (Variation ID: 425946). This variant is not present in population databases (gnomAD no frequency). This sequence change replaces cysteine, which is neutral and slightly polar, with arginine, which is basic and polar, at codon 483 of the BMPR2 protein (p.Cys483Arg).

Juno Genomics, Hangzhou Juno Genomics, Inc
Classification: Likely pathogenic for Pulmonary hypertension, primary, 1. Review status: criteria provided, single submitter. Criteria: ACMG Guidelines, 2015. Collection method: clinical testing. Allele origin: germline. Affected: yes.
Comment: Absent from controls (or at extremely low frequency if recessive) in Genome Aggregation Database, Exome Sequencing Project, 1000 Genomes Project, or Exome Aggregation Consortium.;Missense variant in a gene that has a low rate of benign missense variation and where missense variants are a common mechanism of disease.;Well-established in vitro or in vivo functional studies supportive of a damaging effect on the gene or gene product.;The prevalence of the variant in affected individuals is significantly increased compared to the prevalence in controls.;Patient's phenotype or family history is highly specific for a disease with a single genetic etiology.

Rare Disease Genomics Group, St George's University of London
Classification: Pathogenic for Pulmonary hypertension, primary, dexfenfluramine-associated. Review status: no assertion criteria provided. Collection method: literature only. Allele origin: germline. Affected: yes. Not counted in ClinVar's aggregate classification.

Literature cited by the submitters: PubMed 12045205 (cited by Labcorp Genetics (formerly Invitae), Labcorp); PubMed 18321866 (cited by Labcorp Genetics (formerly Invitae), Labcorp); PubMed 34400635 (cited by Labcorp Genetics (formerly Invitae), Labcorp); PubMed 11015450 (cited by Labcorp Genetics (formerly Invitae), Labcorp); PubMed 12358323 (cited by Rare Disease Genomics Group, St George's University of London).